The following is an entry in ClinVar:

NM_000548.5(TSC2):c.3610+3A>G

Gene: TSC2 (TSC complex subunit 2; plus strand). Cytogenetic location: 16p13.3.
Variant type: single nucleotide variant.
Coding change: c.3610+3A>G on transcript NM_000548.5 (MANE Select); 3 bases into the intron after coding-DNA position 3610, A replaced by G.
Molecular consequence: intron variant.
Genome position (GRCh38, 1-based): chr16:2,080,380, A>G. VCF-style: chr16-2080380-A-G. GRCh37 (hg19) VCF-style: chr16-2130381-A-G.
Other names: c.3610+3A>G (NM_001114382.3); c.3481+3A>G (NM_021055.3, NM_001370405.1, NM_001363528.2); c.3478+3A>G (NM_001370404.1, NM_001077183.3); c.3370+3A>G (NM_001318827.2); c.2878+3A>G (NM_001318831.2); c.3334+3A>G (NM_001318829.2); c.3511+3A>G (NM_001318832.2).
Identifiers: ClinVar variation 659172 (VCV000659172.7), dbSNP rs760153227, ClinGen allele CA047664.
Genomic context (GRCh38, chr16:2,080,380, plus strand): 5'-GCCTATGTGCCCCTGCTGACCCAGGGCTGGGCGGAGATCCTGGTCCGGAGGCCCACAGGT[A>G]CTGGGCGGGGCTGGCCTGAGCGCCATCTTTCTGCCAGTCACCCACAGAGCTGTGGACACT-3'

ClinVar aggregate classification (germline): Uncertain significance. Review status: criteria provided, multiple submitters, no conflicts (2 of 4 stars). 2 submissions from 2 submitters: Uncertain significance (2). Last evaluated 2025-06-19.

Conditions:
Tuberous sclerosis 2 (TSC2). Identifiers: Orphanet 805, MedGen C1860707, MONDO:0013199, OMIM 613254.
Hereditary cancer-predisposing syndrome. Also called: Neoplastic Syndromes, Hereditary; Hereditary neoplastic syndrome; Hereditary Cancer Syndrome; Tumor predisposition. Identifiers: Orphanet 140162, MedGen C0027672, MeSH D009386, MONDO:0015356.

Allele frequency attached by ClinVar (database versions not stated): gnomAD exomes below 0.00001; ExAC 0.00001; gnomAD 0.00001; TOPMed 0.00002.
gnomAD v4.1: 1 of 1,611,058 alleles (0.000062%); highest among the groups gnomAD compares: African/African-American, 0.0013%; no homozygotes.

Submissions (2):

Labcorp Genetics (formerly Invitae), Labcorp
Classification: Uncertain significance for Tuberous sclerosis 2. Last evaluated: 2025-06-19. Review status: criteria provided, single submitter. Criteria: Invitae Variant Classification Sherloc (09022015). Collection method: clinical testing. Allele origin: germline.
Comment: This sequence change falls in intron 30 of the TSC2 gene. It does not directly change the encoded amino acid sequence of the TSC2 protein. It affects a nucleotide within the consensus splice site. This variant is present in population databases (rs760153227, gnomAD 0.008%). This variant has not been reported in the literature in individuals affected with TSC2-related conditions. ClinVar contains an entry for this variant (Variation ID: 659172). Variants that disrupt the consensus splice site are a relatively common cause of aberrant splicing (PMID: 17576681, 9536098). Algorithms developed to predict the effect of sequence changes on RNA splicing suggest that this variant is not likely to affect RNA splicing. In summary, the available evidence is currently insufficient to determine the role of this variant in disease. Therefore, it has been classified as a Variant of Uncertain Significance.

Ambry Genetics
Classification: Uncertain significance for Hereditary cancer-predisposing syndrome. Last evaluated: 2024-06-18. Review status: criteria provided, single submitter. Criteria: Ambry Variant Classification Scheme 2023. Collection method: clinical testing. Allele origin: germline.
Comment: The c.3610+3A>G intronic variant results from an A to G substitution 3 nucleotides after coding exon 29 in the TSC2 gene. This nucleotide position is highly conserved in available vertebrate species. In silico splice site analysis predicts that this alteration will not have any significant effect on splicing. Based on the available evidence, the clinical significance of this variant remains unclear.

Literature cited by the submitters: PubMed 17576681 (cited by Labcorp Genetics (formerly Invitae), Labcorp); PubMed 9536098 (cited by Labcorp Genetics (formerly Invitae), Labcorp).